The following is an entry in ClinVar:

ClinVar aggregate classification (germline): Pathogenic. Review status: reviewed by expert panel (3 of 4 stars). 6 submissions from 6 submitters: Pathogenic (1). 5 of the submissions do not count toward it. Last evaluated 2024-08-27.

Conditions:
DICER1-related tumor predisposition. Also called: DICER1 syndrome; DICER1-related pleuropulmonary blastoma cancer predisposition syndrome. Identifiers: Orphanet 284343, MedGen C3839822, MONDO:0100216.
Hereditary cancer-predisposing syndrome. Also called: Hereditary neoplastic syndrome; Tumor predisposition; Hereditary Cancer Syndrome; Neoplastic Syndromes, Hereditary. Identifiers: Orphanet 140162, MedGen C0027672, MeSH D009386, MONDO:0015356.

Submissions (6):

ClinGen DICER1 and miRNA-Processing Gene Variant Curation Expert Panel, ClinGen
Classification: Pathogenic for DICER1-related tumor predisposition. Last evaluated: 2024-08-27. Review status: reviewed by expert panel. Criteria: ClinGen DICER1 ACMG Specifications DICER1 V1.3.0. Collection method: curation. Allele origin: germline. Inheritance: Autosomal dominant inheritance.
Comment: The NM_177438.2:c.5096-12G>A variant in DICER1 is an intronic variant in intron 23. This variant received a total of 5 phenotype points across 6 unrelated probands meeting DICER1 VCEP phenotype specificity scoring criteria of >4 points (PS4; PMID:26289771, Internal lab contributors). At least one patient with this variant was found to have a somatic second hit in a recognized DICER1 hotspot codon on tumor sequencing, which is highly specific for DICER1-related tumor predisposition (PP4, PMID:26289771). Sequencing of RNA from patients showed an out-of-frame impact on splicing, indicating that this variant impacts protein function (Internal lab data: GTR: 61756)(PS3). This variant is absent from gnomAD v4.1.0 (PM2_Supporting). In summary, this variant meets the criteria to be classified as Pathogenic for DICER1-related tumor predisposition based on the ACMG/AMP criteria applied, as specified by the ClinGen DICER1 VCEP: (PS3, PS4, PP4, PM2_Supporting). (Bayesian Points: 10; VCEP specifications version 1.3; 08/27/2024).

Labcorp Genetics (formerly Invitae), Labcorp
Classification: Pathogenic for DICER1-related tumor predisposition. Last evaluated: 2024-12-08. Review status: criteria provided, single submitter. Criteria: Invitae Variant Classification Sherloc (09022015). Collection method: clinical testing. Allele origin: germline. Not counted in ClinVar's aggregate classification.
Comment: This sequence change falls in intron 23 of the DICER1 gene. It does not directly change the encoded amino acid sequence of the DICER1 protein. This variant is not present in population databases (gnomAD no frequency). This variant has been observed in individuals with DICER1-related phenotypes (PMID: 26289771; External communication, internal data). ClinVar contains an entry for this variant (Variation ID: 580203). Algorithms developed to predict the effect of sequence changes on RNA splicing suggest that this variant may disrupt the consensus splice site. For these reasons, this variant has been classified as Pathogenic.

Ambry Genetics
Classification: Pathogenic for Hereditary cancer-predisposing syndrome. Last evaluated: 2024-04-16. Review status: criteria provided, single submitter. Criteria: Ambry Variant Classification Scheme 2023. Collection method: clinical testing. Allele origin: germline. Not counted in ClinVar's aggregate classification.
Comment: The c.5096-12G>A pathogenic mutation results from a G to A substitution 12 nucleotides before coding exon 23 in the DICER1 gene. This alteration has been observed in multiple individuals with a personal and/or family history that is consistent with DICER1-related disease (Ambry internal data; Schultz KA et al. Fam Cancer, 2016 Jan;15:105-10). This nucleotide position is not well conserved in available vertebrate species. In silico splice site analysis predicts that this alteration will weaken the native splice acceptor site and will result in the creation or strengthening of a novel splice acceptor site. RNA studies have demonstrated that this alteration results in abnormal splicing in the set of samples tested (Ambry internal data). This variant is considered to be rare based on population cohorts in the Genome Aggregation Database (gnomAD). Based on the supporting evidence, this alteration is interpreted as a disease-causing mutation.

Molecular Pathology, Peter Maccallum Cancer Centre
Classification: Likely pathogenic for DICER1-related tumor predisposition. Last evaluated: 2024-03-19. Review status: criteria provided, single submitter. Criteria: ACMG Guidelines, 2015. Collection method: clinical testing. Allele origin: germline. Inheritance: Autosomal dominant inheritance. Not counted in ClinVar's aggregate classification.

GeneDx
Classification: Likely pathogenic. Last evaluated: 2022-12-02. Review status: criteria provided, single submitter. Criteria: GeneDx Variant Classification Process June 2021. Collection method: clinical testing. Allele origin: germline. Affected: yes. Not counted in ClinVar's aggregate classification.
Comment: Functional studies from an outside lab demonstrate a damaging effect: abnormal splicing (External communication with Ambry Genetics); Not observed at significant frequency in large population cohorts (gnomAD); In silico analysis supports a deleterious effect on splicing; This variant is associated with the following publications: (PMID: 33922805, 28524158, 28654427, 29762508, 21501861, 26289771)

Foulkes Cancer Genetics LDI, Lady Davis Institute for Medical Research
Classification: Uncertain significance. Last evaluated: 2019-07-01. Review status: criteria provided, single submitter. Criteria: ACMG Guidelines, 2015. Collection method: curation. Allele origin: germline. Affected: yes. Observed: 3 variant alleles. Not counted in ClinVar's aggregate classification.
Comment: ACMG criteria met: PP3, PP4

Literature cited by the submitters: PubMed 26289771 (cited by 3 submitters); PubMed 21501861 (cited by Foulkes Cancer Genetics LDI, Lady Davis Institute for Medical Research).

NM_177438.3(DICER1):c.5096-12G>A

Gene: DICER1 (dicer 1, ribonuclease III; minus strand). Cytogenetic location: 14q32.13.
Variant type: single nucleotide variant.
Coding change: c.5096-12G>A on transcript NM_177438.3 (MANE Select); 12 bases into the intron before coding-DNA position 5096, G replaced by A.
Molecular consequence: intron variant.
Genome position (GRCh38, 1-based): chr14:95,094,168, C>T on the plus strand (G>A on the coding strand, the complement: DICER1 is on the minus strand). VCF-style: chr14-95094168-C-T. GRCh37 (hg19) VCF-style: chr14-95560505-C-T.
Other names: NM_177438.2(DICER1):c.5096-12G>A; c.5096-12G>A (NM_001291628.2, NM_030621.4, NM_001271282.3 and 1 more transcripts).
Identifiers: ClinVar variation 580203 (VCV000580203.18), dbSNP rs1566750865, ClinGen allele CA891843814.
Genomic context (GRCh38, chr14:95,094,168, plus strand): 5'-AGGTAGTCCAAAATCGCATCTCCCAGGAATTCTAAGCGCTGGTAACAATCTGAGGGGATC[C>T]GAAGTGGAACCGTAAGCTTGTGCAGAAGCATTTACACTATCCCCACATAGCAACTGATCC-3'